The following is an entry in ClinVar:

ClinVar aggregate classification (germline): Uncertain significance. Review status: criteria provided, multiple submitters, no conflicts (2 of 4 stars). 5 submissions from 5 submitters: Uncertain significance (5). Last evaluated 2025-09-10.

Conditions:
Hereditary cancer-predisposing syndrome. Also called: Hereditary neoplastic syndrome; Hereditary Cancer Syndrome; Neoplastic Syndromes, Hereditary; Tumor predisposition. Identifiers: Orphanet 140162, MedGen C0027672, MeSH D009386, MONDO:0015356.
Ataxia-telangiectasia syndrome (AT). Also called: Ataxia-telangiectasia, complementation group D; Cerebello-oculocutaneous telangiectasia; Immunodeficiency with ataxia telangiectasia; ATAXIA-TELANGIECTASIA, COMPLEMENTATION GROUP A; ATAXIA-TELANGIECTASIA, FRESNO VARIANT; LOUIS-BAR SYNDROME. Identifiers: Orphanet 100, MedGen C0004135, MONDO:0008840, OMIM 208900.

Submissions (5):

Quest Diagnostics Nichols Institute San Juan Capistrano
Classification: Uncertain significance. Last evaluated: 2025-09-10. Review status: criteria provided, single submitter. Criteria: Quest Diagnostics criteria. Collection method: clinical testing. Allele origin: unknown.

Ambry Genetics
Classification: Uncertain significance for Hereditary cancer-predisposing syndrome. Last evaluated: 2024-06-27. Review status: criteria provided, single submitter. Criteria: Ambry Variant Classification Scheme 2023. Collection method: clinical testing. Allele origin: germline.
Comment: The p.L459V variant (also known as c.1375C>G), located in coding exon 9 of the ATM gene, results from a C to G substitution at nucleotide position 1375. The leucine at codon 459 is replaced by valine, an amino acid with highly similar properties. This amino acid position is highly conserved in available vertebrate species. In addition, the in silico prediction for this alteration is inconclusive. Based on the available evidence, the clinical significance of this variant remains unclear.

Color Diagnostics, LLC DBA Color Health
Classification: Uncertain significance for Hereditary cancer-predisposing syndrome. Last evaluated: 2024-03-06. Review status: criteria provided, single submitter. Criteria: ACMG Guidelines, 2015. Collection method: clinical testing. Allele origin: germline.
Comment: This missense variant replaces leucine with valine at codon 459 of the ATM protein. Computational prediction suggests that this variant may not impact protein structure and function (internally defined REVEL score threshold <= 0.5, PMID: 27666373). To our knowledge, functional studies have not been reported for this variant. This variant has not been reported in individuals affected with hereditary cancer in the literature. This variant has not been identified in the general population by the Genome Aggregation Database (gnomAD). The available evidence is insufficient to determine the role of this variant in disease conclusively. Therefore, this variant is classified as a Variant of Uncertain Significance.

Labcorp Genetics (formerly Invitae), Labcorp
Classification: Uncertain significance for Ataxia-telangiectasia syndrome. Last evaluated: 2023-11-17. Review status: criteria provided, single submitter. Criteria: Invitae Variant Classification Sherloc (09022015). Collection method: clinical testing. Allele origin: germline.
Comment: This sequence change replaces leucine, which is neutral and non-polar, with valine, which is neutral and non-polar, at codon 459 of the ATM protein (p.Leu459Val). This variant is not present in population databases (gnomAD no frequency). This variant has not been reported in the literature in individuals affected with ATM-related conditions. ClinVar contains an entry for this variant (Variation ID: 420687). An algorithm developed to predict the effect of missense changes on protein structure and function (PolyPhen-2) suggests that this variant is likely to be disruptive. In summary, the available evidence is currently insufficient to determine the role of this variant in disease. Therefore, it has been classified as a Variant of Uncertain Significance.

GeneDx
Classification: Uncertain significance. Last evaluated: 2016-03-15. Review status: criteria provided, single submitter. Criteria: GeneDx Variant Classification (06012015). Collection method: clinical testing. Allele origin: germline. Affected: yes.
Comment: This variant is denoted ATM c.1375C>G at the cDNA level, p.Leu459Val (L459V) at the protein level, and results in the change of a Leucine to a Valine (CTT>GTT). This variant has not, to our knowledge, been published in the literature as pathogenic or benign. ATM Leu459Val was not observed in approximately 6,500 individuals of European and African American ancestry in the NHLBI Exome Sequencing Project, suggesting it is not a common benign variant in these populations. Since Leucine and Valine share similar properties, this is considered a conservative amino acid substitution. ATM Leu459Val occurs at a position that is conserved across species and is not located in a known functional domain (Tavtigian 2009, Stracker 2013). In silico analyses are inconsistent regarding the effect this variant may have on protein structure and function. Based on currently available evidence, it is unclear whether ATM Leu459Val is a pathogenic or benign variant. We consider it to be a variant of uncertain significance.

NM_000051.4(ATM):c.1375C>G (p.Leu459Val)

Gene: ATM (ATM serine/threonine kinase; plus strand). Cytogenetic location: 11q22.3.
Variant type: single nucleotide variant.
Coding change: c.1375C>G on transcript NM_000051.4 (MANE Select); coding-DNA position 1375, C replaced by G.
Protein change: p.Leu459Val; replaces leucine 459 with valine.
Molecular consequence: missense variant.
Genome position (GRCh38, 1-based): chr11:108,250,840, C>G. VCF-style: chr11-108250840-C-G. GRCh37 (hg19) VCF-style: chr11-108121567-C-G.
Other names: c.1375C>G, p.Leu459Val (NM_001351834.2); short protein forms L459V.
Identifiers: ClinVar variation 420687 (VCV000420687.14), dbSNP rs1064794635, ClinGen allele CA16619117.